The following is an entry in ClinVar:

ClinVar aggregate classification (germline): Uncertain significance. Review status: criteria provided, multiple submitters, no conflicts (2 of 4 stars). 2 submissions from 2 submitters: Uncertain significance (2). Last evaluated 2025-06-12.

Allele frequency attached by ClinVar (database versions not stated): gnomAD 0.00003; TOPMed 0.00009; ExAC 0.00001.
gnomAD v4.1: 13 of 1,612,936 alleles (0.00081%); highest among the groups gnomAD compares: African/African-American, 0.012%; no homozygotes.

Submissions (2):

Labcorp Genetics (formerly Invitae), Labcorp
Classification: Uncertain significance. Last evaluated: 2025-06-12. Review status: criteria provided, single submitter. Criteria: Invitae Variant Classification Sherloc (09022015). Collection method: clinical testing. Allele origin: germline.
Comment: This sequence change replaces glycine, which is neutral and non-polar, with cysteine, which is neutral and slightly polar, at codon 30 of the DUSP6 protein (p.Gly30Cys). This variant is present in population databases (rs192081420, gnomAD 0.009%). This variant has not been reported in the literature in individuals affected with DUSP6-related conditions. ClinVar contains an entry for this variant (Variation ID: 2401259). Invitae Evidence Modeling of protein sequence and biophysical properties (such as structural, functional, and spatial information, amino acid conservation, physicochemical variation, residue mobility, and thermodynamic stability) indicates that this missense variant is not expected to disrupt DUSP6 protein function with a negative predictive value of 80%. In summary, the available evidence is currently insufficient to determine the role of this variant in disease. Therefore, it has been classified as a Variant of Uncertain Significance.

Ambry Genetics
Classification: Uncertain significance. Last evaluated: 2021-12-08. Review status: criteria provided, single submitter. Criteria: Ambry Variant Classification Scheme 2023. Collection method: clinical testing. Allele origin: germline.

NM_001946.4(DUSP6):c.88G>T (p.Gly30Cys)

Genes: DUSP6 (dual specificity phosphatase 6; minus strand), POC1B-DUSP6 (POC1B-DUSP6 readthrough; minus strand). Cytogenetic location: 12q21.33.
Variant type: single nucleotide variant.
Coding change: c.88G>T on transcript NM_001946.4 (MANE Select); coding-DNA position 88, G replaced by T.
Protein change: p.Gly30Cys; replaces glycine 30 with cysteine.
Molecular consequence: missense variant.
Genome position (GRCh38, 1-based): chr12:89,351,952, C>A on the plus strand (G>T on the coding strand, the complement: DUSP6 is on the minus strand). VCF-style: chr12-89351952-C-A. GRCh37 (hg19) VCF-style: chr12-89745729-C-A.
Other names: c.88G>T, p.Gly30Cys (NM_022652.4); short protein forms G30C.
Identifiers: ClinVar variation 2401259 (VCV002401259.4), dbSNP rs192081420, ClinGen allele CA6714121.